The following is an entry in ClinVar:

ClinVar aggregate classification (germline): Uncertain significance (1 of 4 stars; one submission).

Conditions:
Inborn genetic diseases. Identifiers: MedGen C0950123, MeSH D030342.

Submission:

Ambry Genetics
Classification: Uncertain significance for Inborn genetic diseases. Last evaluated: 2022-02-18. Review status: criteria provided, single submitter. Criteria: Ambry Variant Classification Scheme 2023. Collection method: clinical testing. Allele origin: germline.
Comment: The p.S329L variant (also known as c.986C>T), located in coding exon 8 of the BUB1B gene, results from a C to T substitution at nucleotide position 986. The serine at codon 329 is replaced by leucine, an amino acid with dissimilar properties. This amino acid position is conserved. In addition, this alteration is predicted to be tolerated by in silico analysis. Since supporting evidence is limited at this time, the clinical significance of this alteration remains unclear.

NM_001211.6(BUB1B):c.986C>T (p.Ser329Leu)

Gene: BUB1B (BUB1 mitotic checkpoint serine/threonine kinase B; plus strand). Cytogenetic location: 15q15.1.
Variant type: single nucleotide variant.
Coding change: c.986C>T on transcript NM_001211.6 (MANE Select); coding-DNA position 986, C replaced by T.
Protein change: p.Ser329Leu; replaces serine 329 with leucine.
Molecular consequence: missense variant.
Genome position (GRCh38, 1-based): chr15:40,185,570, C>T. VCF-style: chr15-40185570-C-T. GRCh37 (hg19) VCF-style: chr15-40477771-C-T.
Other names: short protein forms S329L.
Identifiers: ClinVar variation 1768447 (VCV001768447.2), dbSNP rs2542536199, ClinGen allele CA391685076.